The following is an entry in ClinVar:

ClinVar aggregate classification (germline): Uncertain significance (1 of 4 stars; one submission).

Conditions:
Cardiovascular phenotype. Identifiers: MedGen CN230736.

Submission:

Ambry Genetics
Classification: Uncertain significance for Cardiovascular phenotype. Last evaluated: 2022-09-05. Review status: criteria provided, single submitter. Criteria: Ambry Variant Classification Scheme 2023. Collection method: clinical testing. Allele origin: germline.
Comment: The p.Y75H variant (also known as c.223T>C), located in coding exon 3 of the EFEMP2 gene, results from a T to C substitution at nucleotide position 223. The tyrosine at codon 75 is replaced by histidine, an amino acid with similar properties. This amino acid position is conserved. In addition, the in silico prediction for this alteration is inconclusive. Since supporting evidence is limited at this time, the clinical significance of this alteration remains unclear.

NM_016938.5(EFEMP2):c.223T>C (p.Tyr75His)

Gene: EFEMP2 (EGF containing fibulin extracellular matrix protein 2; minus strand). Cytogenetic location: 11q13.1.
Variant type: single nucleotide variant.
Coding change: c.223T>C on transcript NM_016938.5 (MANE Select); coding-DNA position 223, T replaced by C.
Protein change: p.Tyr75His; replaces tyrosine 75 with histidine.
Molecular consequence: missense variant. On other transcripts: non-coding transcript variant (1).
Genome position (GRCh38, 1-based): chr11:65,871,301, A>G on the plus strand (T>C on the coding strand, the complement: EFEMP2 is on the minus strand). VCF-style: chr11-65871301-A-G. GRCh37 (hg19) VCF-style: chr11-65638772-A-G.
Other names: short protein forms Y75H.
Identifiers: ClinVar variation 1788265 (VCV001788265.2), dbSNP rs2495580865, ClinGen allele CA381310270.